The following is an entry in ClinVar:

ClinVar aggregate classification (germline): Uncertain significance (1 of 4 stars; one submission).

Allele frequency attached by ClinVar (database versions not stated): gnomAD exomes below 0.00001.
gnomAD v4.1: 2 of 1,614,068 alleles (0.00012%); highest among the groups gnomAD compares: African/African-American, 0.0013%; no homozygotes.

Submission:

Labcorp Genetics (formerly Invitae), Labcorp
Classification: Uncertain significance. Last evaluated: 2022-06-26. Review status: criteria provided, single submitter. Criteria: Invitae Variant Classification Sherloc (09022015). Collection method: clinical testing. Allele origin: germline.
Comment: This variant is not present in population databases (gnomAD no frequency). This sequence change replaces valine, which is neutral and non-polar, with aspartic acid, which is acidic and polar, at codon 1324 of the ARFGEF2 protein (p.Val1324Asp). In summary, the available evidence is currently insufficient to determine the role of this variant in disease. Therefore, it has been classified as a Variant of Uncertain Significance. Algorithms developed to predict the effect of missense changes on protein structure and function are either unavailable or do not agree on the potential impact of this missense change (SIFT: "Deleterious"; PolyPhen-2: "Benign"; Align-GVGD: "Class C45"). This variant has not been reported in the literature in individuals affected with ARFGEF2-related conditions.

NM_006420.3(ARFGEF2):c.3971T>A (p.Val1324Asp)

Gene: ARFGEF2 (ARF guanine nucleotide exchange factor 2; plus strand). Cytogenetic location: 20q13.13.
Variant type: single nucleotide variant.
Coding change: c.3971T>A on transcript NM_006420.3 (MANE Select); coding-DNA position 3971, T replaced by A.
Protein change: p.Val1324Asp; replaces valine 1324 with aspartic acid.
Molecular consequence: missense variant.
Genome position (GRCh38, 1-based): chr20:49,013,616, T>A. VCF-style: chr20-49013616-T-A. GRCh37 (hg19) VCF-style: chr20-47630153-T-A.
Other names: c.3968T>A, p.Val1323Asp (NM_001410846.1); short protein forms V1323D, V1324D.
Identifiers: ClinVar variation 2010948 (VCV002010948.4), dbSNP rs2515577487, ClinGen allele CA409323471.
Genomic context (GRCh38, chr20:49,013,616, plus strand): 5'-CATCCTAGGTGCTACAAGAATACACAAGTGATGACATGAATGTAGCTCCTGGTGACAGAG[T>A]CTGGGTCCGAGGCTGGTTCCCCATCTTATTCGAACTCTCCTGCATCATTAATAGATGCAA-3'
Protein context (NP_006411.2, residues 1314-1334): DDMNVAPGDR[Val1324Asp]WVRGWFPILF